The following is an entry in ClinVar:

NM_019109.5(ALG1):c.876C>G (p.Phe292Leu)

Gene: ALG1 (ALG1 chitobiosyldiphosphodolichol beta-mannosyltransferase; plus strand). Cytogenetic location: 16p13.3.
Variant type: single nucleotide variant.
Coding change: c.876C>G on transcript NM_019109.5 (MANE Select); coding-DNA position 876, C replaced by G.
Protein change: p.Phe292Leu; replaces phenylalanine 292 with leucine.
Molecular consequence: missense variant.
Genome position (GRCh38, 1-based): chr16:5,079,077, C>G. VCF-style: chr16-5079077-C-G. GRCh37 (hg19) VCF-style: chr16-5129078-C-G.
Other names: c.543C>G, p.Phe181Leu (NM_001330504.2); short protein forms F181L.
Identifiers: ClinVar variation 522809 (VCV000522809.3), dbSNP rs1009298200, ClinGen allele CA394681943.

ClinVar aggregate classification (germline): Likely pathogenic (1 of 4 stars; one submission).

Conditions:
ALG1-congenital disorder of glycosylation. Also called: CDG Ik; CONGENITAL DISORDER OF GLYCOSYLATION, TYPE Ik; ALG1-CDG. Identifiers: Orphanet 79327, MedGen C2931005, MONDO:0012052, OMIM 608540.

Submission:

Undiagnosed Diseases Network, NIH
Classification: Likely pathogenic for ALG1-congenital disorder of glycosylation. Last evaluated: 2017-06-23. Review status: criteria provided, single submitter. Criteria: ACMG Guidelines, 2015. Collection method: clinical testing. Allele origin: maternal. Inheritance: Autosomal recessive inheritance. Affected: yes. Observed: 1 variant allele, 1 compound heterozygote.
Comment: Clinical genome sequencing revealed 3 variants of uncertain significance in the ALG1 gene. Multiple lines of computational evidence support a deleterious effect of these variants on the gene or gene product. cDNA experiments performed on a research basis demonstrated that the paternally inherited variant (c.1187+3A>G) is damaging. The maternally inherited variants are rare and are not present in the 1000 Genomes Project nor the Exome Aggregate Consortium (ExAC) databases. Based on these findings, the clinical team elevated these variants to likely pathogenic.